The following is an entry in ClinVar:

ClinVar aggregate classification (germline): Conflicting classifications of pathogenicity. Review status: criteria provided, conflicting classifications (1 of 4 stars). 5 submissions from 5 submitters: Uncertain significance (4); Benign (1). Last evaluated 2025-12-28.

Conditions:
Frontometaphyseal dysplasia (FMD1). Identifiers: Orphanet 1826, MedGen C0265293, MONDO:0015942.
Melnick-Needles syndrome (MNS). Also called: MELNICK-NEEDLES OSTEODYSPLASTY; OSTEODYSPLASTY OF MELNICK AND NEEDLES; Melnick-Needles Syndrome (FLNA-MNS). Identifiers: Orphanet 2484, MedGen C0025237, MONDO:0010650, OMIM 309350.
Heterotopia, periventricular, X-linked dominant (PVNH1). Also called: PERIVENTRICULAR NODULAR HETEROTOPIA 1; X-linked periventricular heterotopia; PERIVENTRICULAR NODULAR HETEROTOPIA 4; HETEROTOPIA, PERIVENTRICULAR, 1. Identifiers: Orphanet 2149, Orphanet 82004, MedGen C1848213, MONDO:0010233, OMIM 300049.
Oto-palato-digital syndrome, type II (OPD2). Also called: OPD II SYNDROME; FACIOPALATOOSSEOUS SYNDROME; Otopalatodigital Syndrome, Type II; Otopalatodigital Syndrome Type 2 (FLNA-OPD2). Identifiers: Orphanet 669, Orphanet 90652, MedGen C1844696, MONDO:0010571, OMIM 304120.
Familial thoracic aortic aneurysm and aortic dissection (TAAD). Also called: Thoracic aortic aneurysms and dissections. Identifiers: Orphanet 91387, MedGen C4707243, MONDO:0019625.
FLNA-related disorder.

Allele frequency attached by ClinVar (database versions not stated): gnomAD exomes 0.00001; ExAC 0.00002; TOPMed 0.00007; ESP Exome Variant Server 0.00010; gnomAD 0.00014 and 0.00015; 1000 Genomes Project 0.00026; 1000 Genomes Project 30x 0.00062.
gnomAD v4.1: 54 of 1,209,701 alleles (0.0045%); highest among the groups gnomAD compares: East Asian, 0.059%; no homozygotes.

Submissions (5):

Labcorp Genetics (formerly Invitae), Labcorp
Classification: Benign for Oto-palato-digital syndrome, type II; Heterotopia, periventricular, X-linked dominant; Frontometaphyseal dysplasia; Melnick-Needles syndrome. Last evaluated: 2025-12-28. Review status: criteria provided, single submitter. Criteria: Invitae Variant Classification Sherloc (09022015). Collection method: clinical testing. Allele origin: germline.

Blueprint Genetics
Classification: Uncertain significance. Last evaluated: 2024-09-19. Review status: criteria provided, single submitter. Criteria: ACMG Guidelines, 2015. Collection method: clinical testing. Allele origin: germline.

Ambry Genetics
Classification: Uncertain significance for Familial thoracic aortic aneurysm and aortic dissection. Last evaluated: 2024-08-27. Review status: criteria provided, single submitter. Criteria: Ambry Variant Classification Scheme 2023. Collection method: clinical testing. Allele origin: germline.
Comment: The p.D1571N variant (also known as c.4711G>A), located in coding exon 27 of the FLNA gene, results from a G to A substitution at nucleotide position 4711. The aspartic acid at codon 1571 is replaced by asparagine, an amino acid with highly similar properties. This alteration has been reported in a bicuspid aortic valve/thoracic aortic aneurysm cohort (Gillis E et al. Front Physiol, 2017 Jun;8:400). Based on data from gnomAD, the A allele has an overall frequency of 0.0020% (4/201050) total alleles studied, with 0 hemizygote(s) observed. The highest observed frequency was 0.0221% (4/18098) of African alleles. This amino acid position is highly conserved in available vertebrate species. In addition, this alteration is predicted to be tolerated by in silico analysis. Based on the available evidence, the clinical significance of this variant remains unclear.

GeneDx
Classification: Uncertain significance. Last evaluated: 2024-08-08. Review status: criteria provided, single submitter. Criteria: GeneDx Variant Classification Process June 2021. Collection method: clinical testing. Allele origin: germline. Affected: yes.
Comment: Reported previously as an inherited hemizygous variant of uncertain significance in an infant with a suspected genetic condition; however, no further clinical information was provided and this variant was not thought to explain the phenotype (PMID: 37432431); In silico analysis supports that this missense variant has a deleterious effect on protein structure/function; This variant is associated with the following publications: (PMID: 37432431)

PreventionGenetics, part of Exact Sciences
Classification: Uncertain significance for FLNA-related condition. Last evaluated: 2023-07-26. Review status: criteria provided, single submitter. Criteria: ACMG Guidelines, 2015. Collection method: clinical testing. Allele origin: germline.
Comment: The FLNA c.4711G>A variant is predicted to result in the amino acid substitution p.Asp1571Asn. To our knowledge, this variant has not been reported in the literature. This variant is reported in 0.022% of alleles in individuals of African descent in gnomAD. At this time, the clinical significance of this variant is uncertain due to the absence of conclusive functional and genetic evidence.

Literature cited by the submitters: PubMed 28659821 (cited by Ambry Genetics).

NM_001110556.2(FLNA):c.4711G>A (p.Asp1571Asn)

Gene: FLNA (filamin A; minus strand). Cytogenetic location: Xq28.
Variant type: single nucleotide variant.
Coding change: c.4711G>A on transcript NM_001110556.2 (MANE Select); coding-DNA position 4711, G replaced by A.
Protein change: p.Asp1571Asn; replaces aspartic acid 1571 with asparagine.
Molecular consequence: missense variant.
Genome position (GRCh38, 1-based): chrX:154,358,243, C>T on the plus strand (G>A on the coding strand, the complement: FLNA is on the minus strand). VCF-style: chrX-154358243-C-T. GRCh37 (hg19) VCF-style: chrX-153586611-C-T.
Other names: c.4711G>A (NM_001110556.1); c.4711G>A, p.Asp1571Asn (NM_001456.4); short protein forms D1571N.
Identifiers: ClinVar variation 971995 (VCV000971995.16), dbSNP rs190415098, ClinGen allele CA10560486.
Genomic context (GRCh38, chrX:154,358,243, plus strand): 5'-TGTGCCCGGAGCTCACCGTGATCTGGACAGCCAGCAGGCCCTCCCCGGCGTCCTTTGCAT[C>T]GATGGTGAACTCCACGGGCAGGCTGGCAGGCACGCCAGTGGTGTTGAGCCCGGGGCCACT-3'
Protein context (NP_001104026.1, residues 1561-1581): PASLPVEFTI[Asp1571Asn]AKDAGEGLLA